The following is an entry in ClinVar:

ClinVar aggregate classification (germline): Pathogenic (1 of 4 stars; one submission).

Conditions:
Spastic paraplegia. Identifiers: MedGen C0037772, HP:0001258.

Submission:

Labcorp Genetics (formerly Invitae), Labcorp
Classification: Pathogenic for Spastic paraplegia. Last evaluated: 2018-11-15. Review status: criteria provided, single submitter. Criteria: Invitae Variant Classification Sherloc (09022015). Collection method: clinical testing. Allele origin: germline.
Comment: This sequence change creates a premature translational stop signal (p.Glu481*) in the SACS gene. It is expected to result in an absent or disrupted protein product. This variant is not present in population databases (ExAC no frequency). This variant has not been reported in the literature in individuals with SACS-related disease. Loss-of-function variants in SACS are known to be pathogenic (PMID: 18465152, 20876471). For these reasons, this variant has been classified as Pathogenic.

Literature cited by the submitters: PubMed 18465152; PubMed 20876471.

NM_014363.6(SACS):c.1441G>T (p.Glu481Ter)

Gene: SACS (sacsin molecular chaperone; minus strand). Cytogenetic location: 13q12.12.
Variant type: single nucleotide variant.
Coding change: c.1441G>T on transcript NM_014363.6 (MANE Select); coding-DNA position 1441, G replaced by T.
Protein change: p.Glu481Ter; replaces glutamic acid 481 with a stop codon.
Molecular consequence: nonsense.
Genome position (GRCh38, 1-based): chr13:23,355,171, C>A on the plus strand (G>T on the coding strand, the complement: SACS is on the minus strand). VCF-style: chr13-23355171-C-A. GRCh37 (hg19) VCF-style: chr13-23929310-C-A.
Other names: c.1000G>T, p.Glu334Ter (NM_001278055.2); short protein forms E334*, E481*.
Identifiers: ClinVar variation 647530 (VCV000647530.6), dbSNP rs1593144887, ClinGen allele CA387548419.